The following is an entry in ClinVar:

ClinVar aggregate classification (germline): Pathogenic. Review status: criteria provided, multiple submitters, no conflicts (2 of 4 stars). 5 submissions from 5 submitters: Pathogenic (3). 2 of the submissions do not count toward it. Last evaluated 2024-03-16.

Conditions:
Fanconi anemia complementation group A (FANCA). Also called: Fanconi anemia, group A; FANCA-Related Fanconi Anemia. Identifiers: Orphanet 84, MedGen C3469521, MONDO:0009215, OMIM 227650.
Fanconi anemia (FA). Also called: Fanconi's anemia. Identifiers: Orphanet 84, MedGen C0015625, MeSH D005199, MONDO:0019391.

Allele frequency attached by ClinVar (database versions not stated): gnomAD exomes below 0.00001; TOPMed below 0.00001; gnomAD 0.00001.
gnomAD v4.1: 3 of 1,612,380 alleles (0.00019%); highest among the groups gnomAD compares: Non-Finnish European, 0.00025%; no homozygotes.

Submissions (5):

Baylor Genetics
Classification: Pathogenic for Fanconi anemia complementation group A. Last evaluated: 2024-03-16. Review status: criteria provided, single submitter. Criteria: ACMG Guidelines, 2015. Collection method: clinical testing. Allele origin: unknown.

Labcorp Genetics (formerly Invitae), Labcorp
Classification: Pathogenic for Fanconi anemia. Last evaluated: 2023-11-17. Review status: criteria provided, single submitter. Criteria: Invitae Variant Classification Sherloc (09022015). Collection method: clinical testing. Allele origin: germline.
Comment: This sequence change affects an acceptor splice site in intron 10 of the FANCA gene. It is expected to disrupt RNA splicing. Variants that disrupt the donor or acceptor splice site typically lead to a loss of protein function (PMID: 16199547), and loss-of-function variants in FANCA are known to be pathogenic (PMID: 19367192). This variant is not present in population databases (gnomAD no frequency). Disruption of this splice site has been observed in individuals with fanconi anemia (PMID: 15643609, 33224012). ClinVar contains an entry for this variant (Variation ID: 557309). Algorithms developed to predict the effect of sequence changes on RNA splicing suggest that this variant may disrupt the consensus splice site. For these reasons, this variant has been classified as Pathogenic.

Sema4
Classification: Pathogenic for Fanconi anemia. Last evaluated: 2022-03-18. Review status: criteria provided, single submitter. Criteria: Sema4 Curation Guidelines. Collection method: curation. Allele origin: germline.
Comment: The FANCA c.894-2A>G has been reported in 3 individuals with Fanconi anemia, 2 of these were homozygous (PMID 15643609,33224012). This variant affects a nucleotide within a consensus splice site of an intron, and may cause exon skipping, intron retention or use of a cryptic splice site. A computational study suggests that this variant induces a large splicing change (PMID 25525159). This variant is not reported in the population database acute Genome Aggregation Database (PMID 32461654). The variant has been reported in ClinVar (Variation ID 557309). Based on the current evidence available, this variant is interpreted as pathogenic.

Leiden Open Variation Database
Classification: Pathogenic for Fanconi anemia complementation group A. Last evaluated: 2020-02-28. Review status: no assertion criteria provided. Collection method: curation. Allele origin: germline. Affected: yes. Not counted in ClinVar's aggregate classification.
Comment: Curator: Arleen D. Auerbach. Submitter to LOVD: Arleen D. Auerbach.

Counsyl
Classification: Likely pathogenic for Fanconi anemia complementation group A. Last evaluated: 2018-03-15. Review status: no assertion criteria provided. Collection method: clinical testing. Allele origin: unknown. Not counted in ClinVar's aggregate classification.

Literature cited by the submitters: PubMed 16199547 (cited by Labcorp Genetics (formerly Invitae), Labcorp); PubMed 19367192 (cited by Labcorp Genetics (formerly Invitae), Labcorp); PubMed 15643609 (cited by 3 submitters); PubMed 33224012 (cited by Labcorp Genetics (formerly Invitae), Labcorp and Sema4); PubMed 25525159 (cited by Sema4 and Counsyl).

NM_000135.4(FANCA):c.894-2A>G

Gene: FANCA (FA complementation group A; minus strand). Cytogenetic location: 16q24.3.
Variant type: single nucleotide variant.
Coding change: c.894-2A>G on transcript NM_000135.4 (MANE Select); the canonical splice acceptor site of the intron before coding-DNA position 894, A replaced by G.
Molecular consequence: splice acceptor variant.
Genome position (GRCh38, 1-based): chr16:89,796,020, T>C on the plus strand (A>G on the coding strand, the complement: FANCA is on the minus strand). VCF-style: chr16-89796020-T-C. GRCh37 (hg19) VCF-style: chr16-89862428-T-C.
Other names: c.894-2A>G (NM_001286167.3).
Identifiers: ClinVar variation 557309 (VCV000557309.10), dbSNP rs976556567, ClinGen allele CA286597120.